The following is an entry in ClinVar:

ClinVar aggregate classification (germline): Uncertain significance (1 of 4 stars; one submission).

gnomAD v4.1: 6 of 1,594,104 alleles (0.00038%); highest among the groups gnomAD compares: Non-Finnish European, 0.00051%; no homozygotes.

Submission:

Labcorp Genetics (formerly Invitae), Labcorp
Classification: Uncertain significance. Last evaluated: 2024-10-19. Review status: criteria provided, single submitter. Criteria: Invitae Variant Classification Sherloc (09022015). Collection method: clinical testing. Allele origin: germline.
Comment: This sequence change replaces threonine, which is neutral and polar, with alanine, which is neutral and non-polar, at codon 148 of the SSR3 protein (p.Thr148Ala). This variant is not present in population databases (gnomAD no frequency). This variant has not been reported in the literature in individuals affected with SSR3-related conditions. An algorithm developed to predict the effect of missense changes on protein structure and function (PolyPhen-2) suggests that this variant is likely to be disruptive. In summary, the available evidence is currently insufficient to determine the role of this variant in disease. Therefore, it has been classified as a Variant of Uncertain Significance.

NM_007107.5(SSR3):c.403A>G (p.Thr135Ala)

Gene: SSR3 (signal sequence receptor subunit 3; minus strand). Cytogenetic location: 3q25.31.
Variant type: single nucleotide variant.
Coding change: c.403A>G on transcript NM_007107.5 (MANE Select); coding-DNA position 403, A replaced by G.
Protein change: p.Thr135Ala; replaces threonine 135 with alanine.
Molecular consequence: missense variant.
Genome position (GRCh38, 1-based): chr3:156,544,396, T>C on the plus strand (A>G on the coding strand, the complement: SSR3 is on the minus strand). VCF-style: chr3-156544396-T-C. GRCh37 (hg19) VCF-style: chr3-156262185-T-C.
Other names: c.442A>G, p.Thr148Ala (NM_001308197.2); c.247A>G, p.Thr83Ala (NM_001308204.2, NM_001308205.2); short protein forms T148A, T83A, T135A.
Identifiers: ClinVar variation 3689987 (VCV003689987.2).
Genomic context (GRCh38, chr3:156,544,396, plus strand): 5'-AGAAGGAAGCAACAATGACCACGACCAGGAACAGAGTGTTGTTATAGAAGATGGAAAATG[T>C]TGTAGCTTCATAATCAGCAACTTCATTCTTCTTCCACAAGATTCTACAGACACAGAAACA-3'
Protein context (NP_009038.1, residues 125-145): KNEVADYEAT[Thr135Ala]FSIFYNNTLF